The following is an entry in ClinVar:

ClinVar aggregate classification (germline): Conflicting classifications of pathogenicity. Review status: criteria provided, conflicting classifications (1 of 4 stars). 11 submissions from 11 submitters: Uncertain significance (2); Likely benign (6). 3 of the submissions do not count toward it. Last evaluated 2025-12-05.

Conditions:
Cardiac arrhythmia. Also called: Cardiac rhythm disease; Arrhythmia. Identifiers: MedGen C0003811, MONDO:0007263, HP:0011675.
Cardiovascular phenotype. Identifiers: MedGen CN230736.
Long QT syndrome (LQTS). Identifiers: MedGen C0023976, MeSH D008133, MONDO:0002442. Disease mechanism: loss of function. Inheritance: Various modes of inheritance.

Allele frequency attached by ClinVar (database versions not stated): 1000 Genomes Project 0.00020; 1000 Genomes Project 30x 0.00031; TOPMed 0.00021; gnomAD 0.00022 and 0.00024; ESP Exome Variant Server 0.00015; ExAC 0.00043; gnomAD exomes 0.00029 and 0.00027.

Submissions (11):

Labcorp Genetics (formerly Invitae), Labcorp
Classification: Likely benign for Long QT syndrome. Last evaluated: 2025-12-05. Review status: criteria provided, single submitter. Criteria: Invitae Variant Classification Sherloc (09022015). Collection method: clinical testing. Allele origin: germline.

Molecular Diagnostic Laboratory for Inherited Cardiovascular Disease, Montreal Heart Institute
Classification: Likely benign. Last evaluated: 2025-04-09. Review status: criteria provided, single submitter. Criteria: ACMG Guidelines, 2015. Collection method: clinical testing. Allele origin: germline. Affected: no.
Comment: PP2, BS1, BP4

Blueprint Genetics
Classification: Likely benign. Last evaluated: 2024-09-23. Review status: criteria provided, single submitter. Criteria: ACMG Guidelines, 2015. Collection method: clinical testing. Allele origin: germline.

Color Diagnostics, LLC DBA Color Health
Classification: Likely benign for Cardiac arrhythmia. Last evaluated: 2023-11-13. Review status: criteria provided, single submitter. Criteria: ACMG Guidelines, 2015. Collection method: clinical testing. Allele origin: germline.

Ambry Genetics
Classification: Likely benign for Cardiovascular phenotype. Last evaluated: 2021-04-23. Review status: criteria provided, single submitter. Criteria: Ambry Variant Classification Scheme 2023. Collection method: clinical testing. Allele origin: germline.

GeneDx
Classification: Likely benign. Last evaluated: 2020-10-05. Review status: criteria provided, single submitter. Criteria: GeneDx Variant Classification Process June 2021. Collection method: clinical testing. Allele origin: germline. Affected: yes.
Comment: Observed in two individuals diagnosed with hypertrophic cardiomyopathy (Lopes et al., 2015) and one individual with a history of sudden unexplained death (Sanchez et al., 2016) in the published literature.; Identified in a cohort of ostensibly healthy control individuals (Kappa et al., 2009), a cohort of individuals who underwent exome sequencing who were not selected for cardiomyopathy, arrhythmia, or a family history of sudden cardiac death (Ng et al., 2013), and a cohort of individuals recruited for non-antiarrhythmic drug exposure phenotypes who underwent pharmacogenomic testing (Van Driest et al., 2016); Reported with conflicting interpretations of pathogenicity by other clinical laboratories in ClinVar (ClinVar Variant ID# 67454; Landrum et al., 2016); In silico analysis supports that this missense variant does not alter protein structure/function; This variant is associated with the following publications: (PMID: 27930701, 22949429, 19841300, 22581653, 23861362, 26746457, 25351510)

ARUP Laboratories, Molecular Genetics and Genomics, ARUP Laboratories
Classification: Uncertain significance. Last evaluated: 2019-03-02. Review status: criteria provided, single submitter. Criteria: ARUP Molecular Germline Variant Investigation Process. Collection method: clinical testing. Allele origin: germline.
Comment: The KCNH2 c.2941A>G; p.Ser981Gly variant (rs76649554; ClinVar Variation ID: 67454) has been previously reported in two individuals included in a cohort of hypertrophic cardiomyopathy (HCM) patients (Lopes 2015). However, this variant has also been identified in several control cohorts (Kapa 2009, Giudicessi 2012, Ng 2013, Van Driest 2016), and is also found in the general population with an overall allele frequency of 0.03% (75/276,264 alleles) in the Genome Aggregation Database. The serine at codon 981 is moderately conserved (Alamut software v2.11) and computational analyses (SIFT: damaging, PolyPhen-2: benign) predict conflicting effects of this variant on protein structure/function. Based on the available information, the clinical significance of this variant is uncertain. References: Giudicessi JR et al. Phylogenetic and physicochemical analyses enhance the classification of rare nonsynonymous single nucleotide variants in type 1 and 2 long-QT syndrome. Circ Cardiovasc Genet. 2012 Oct 1;5(5):519-28. Kapa et al. Genetic testing for long-QT syndrome: distinguishing pathogenic mutations from benign variants. Circulation. 2009 Nov 3;120(18):1752-60. Lopes LR et al. Novel genotype-phenotype associations demonstrated by high-throughput sequencing in patients with hypertrophic cardiomyopathy. Heart. 2015 Feb;101(4):294-301. Ng D et al. Interpreting secondary cardiac disease variants in an exome cohort. Circ Cardiovasc Genet. 2013 Aug;6(4):337-46. Van Driest SL et al. Association of Arrhythmia-Related Genetic Variants With Phenotypes Documented in Electronic Medical Records. JAMA. 2016 Jan 5;315(1):47-57.

Biesecker Lab/Clinical Genomics Section, National Institutes of Health
Classification: Uncertain significance. Last evaluated: 2013-06-24. Review status: criteria provided, single submitter. Criteria: Ng et al. (Circ Cardiovasc Genet. 2013). Collection method: research. Allele origin: unknown. Observed: 1 variant allele. Study: ClinSeq.
Comment: The study set was not selected for affection status in relation to any cancer. Pathogenicity categories were based on literature curation. See Pubmed ID:23861362 for details.

Medical sequencing

Cardiovascular Biomedical Research Unit, Royal Brompton & Harefield NHS Foundation Trust
No classification provided. Review status: no classification provided. Collection method: literature only. Allele origin: germline. Not counted in ClinVar's aggregate classification.
Comment: This variant has been reported in the following publications (PMID:19841300).

Genome Diagnostics Laboratory, University Medical Center Utrecht
Classification: Likely benign. Review status: no assertion criteria provided. Collection method: clinical testing. Allele origin: germline. Affected: yes. Study: VKGL Data-share Consensus. Not counted in ClinVar's aggregate classification.

Joint Genome Diagnostic Labs from Nijmegen and Maastricht, Radboudumc and MUMC+
Classification: Likely benign. Review status: no assertion criteria provided. Collection method: clinical testing. Allele origin: germline. Affected: yes. Study: VKGL Data-share Consensus. Not counted in ClinVar's aggregate classification.

Literature cited by the submitters: PubMed 19841300 (cited by Ambry Genetics and Cardiovascular Biomedical Research Unit, Royal Brompton & Harefield NHS Foundation Trust); PubMed 23861362 (cited by Ambry Genetics); PubMed 25351510 (cited by Ambry Genetics); PubMed 26746457 (cited by Ambry Genetics); PubMed 27930701 (cited by Ambry Genetics); PubMed 22581653 (cited by Cardiovascular Biomedical Research Unit, Royal Brompton & Harefield NHS Foundation Trust).

NM_000238.4(KCNH2):c.2941A>G (p.Ser981Gly)

Gene: KCNH2 (potassium voltage-gated channel subfamily H member 2; minus strand). Cytogenetic location: 7q36.1.
Variant type: single nucleotide variant.
Coding change: c.2941A>G on transcript NM_000238.4 (MANE Select); coding-DNA position 2941, A replaced by G.
Protein change: p.Ser981Gly; replaces serine 981 with glycine.
Molecular consequence: missense variant. On other transcripts: non-coding transcript variant (2).
Genome position (GRCh38, 1-based): chr7:150,947,630, T>C on the plus strand (A>G on the coding strand, the complement: KCNH2 is on the minus strand). VCF-style: chr7-150947630-T-C. GRCh37 (hg19) VCF-style: chr7-150644718-T-C.
Other names: p.S981G:AGC>GGC; c.2941A>G (LRG_288t1); c.2653A>G, p.Ser885Gly (NM_001406753.1); c.1921A>G, p.Ser641Gly (NM_172057.3); short protein forms S641G, S981G, S885G.
Identifiers: ClinVar variation 67454 (VCV000067454.34), dbSNP rs76649554, ClinGen allele CA007666.
Genomic context (GRCh38, chr7:150,947,630, plus strand): 5'-CCCGGTCCTCCCTCGCCCGCCCGTCGCCCGGGATACCTGACAGGGGGTTGCAAGTGTCGC[T>C]GCTCTTCTCGCAGTCCTCCATCAGGGGCTCCCCACCCGGCGGCTCTCCGGGGGGCCTGGG-3'
Protein context (NP_000229.1, residues 971-991): EPLMEDCEKS[Ser981Gly]DTCNPLSGAF